The following is an entry in ClinVar:

ClinVar aggregate classification (germline): Uncertain significance. Review status: criteria provided, multiple submitters, no conflicts (2 of 4 stars). 2 submissions from 2 submitters: Uncertain significance (2). Last evaluated 2026-09-22.

Conditions:
Cohen syndrome (COH1). Also called: PEPPER SYNDROME; Cutis verticis gyrata, retinitis pigmentosa, and sensorineural deafness. Identifiers: Orphanet 193, MedGen C0265223, MONDO:0008999, OMIM 216550.
VPS13B-related disorder. Also called: VPS13B-related condition.

Allele frequency attached by ClinVar (database versions not stated): gnomAD exomes below 0.00001 and 0.00001; ExAC 0.00001; gnomAD 0.00001.

Submissions (2):

PreventionGenetics, part of Exact Sciences
Classification: Uncertain significance for VPS13B-related condition. Last evaluated: 2026-09-22. Review status: criteria provided, single submitter. Criteria: ACMG Guidelines, 2015. Collection method: clinical testing. Allele origin: germline.
Comment: The VPS13B c.2817C>A variant is predicted to result in the amino acid substitution p.His939Gln. To our knowledge, this variant has not been reported in the literature. This variant is reported in 0.0016% of alleles in individuals of European (Non-Finnish) descent in gnomAD. At this time, the clinical significance of this variant is uncertain due to the absence of conclusive functional and genetic evidence.

Labcorp Genetics (formerly Invitae), Labcorp
Classification: Uncertain significance for Cohen syndrome. Last evaluated: 2022-06-13. Review status: criteria provided, single submitter. Criteria: Invitae Variant Classification Sherloc (09022015). Collection method: clinical testing. Allele origin: germline.
Comment: This sequence change replaces histidine with glutamine at codon 939 of the VPS13B protein (p.His939Gln). The histidine residue is weakly conserved and there is a small physicochemical difference between histidine and glutamine. This variant is present in population databases (rs773717018, gnomAD 0.002%). This variant has not been reported in the literature in individuals affected with VPS13B-related conditions. Algorithms developed to predict the effect of missense changes on protein structure and function are either unavailable or do not agree on the potential impact of this missense change (SIFT: "Not Available"; PolyPhen-2: "Possibly Damaging"; Align-GVGD: "Not Available"). In summary, the available evidence is currently insufficient to determine the role of this variant in disease. Therefore, it has been classified as a Variant of Uncertain Significance.

NM_152564.5(VPS13B):c.2817C>A (p.His939Gln)

Gene: VPS13B (vacuolar protein sorting 13 homolog B; plus strand). Cytogenetic location: 8q22.2.
Variant type: single nucleotide variant.
Coding change: c.2817C>A on transcript NM_152564.5 (MANE Select); coding-DNA position 2817, C replaced by A.
Protein change: p.His939Gln; replaces histidine 939 with glutamine.
Molecular consequence: missense variant.
Genome position (GRCh38, 1-based): chr8:99,275,247, C>A. VCF-style: chr8-99275247-C-A. GRCh37 (hg19) VCF-style: chr8-100287475-C-A.
Other names: c.2817C>A (NM_152564.4); c.2817C>A, p.His939Gln (NM_017890.5); short protein forms H939Q.
Identifiers: ClinVar variation 1423803 (VCV001423803.5), dbSNP rs773717018, ClinGen allele CA4823025.